The following is an entry in ClinVar:

ClinVar aggregate classification (germline): Uncertain significance. Review status: criteria provided, multiple submitters, no conflicts (2 of 4 stars). 2 submissions from 2 submitters: Uncertain significance (2). Last evaluated 2023-10-17.

Conditions:
Gastrointestinal stromal tumor. Also called: Gastrointestinal stroma tumor; Gastrointestinal stromal tumor, somatic. Identifiers: Orphanet 44890, MedGen C0238198, MeSH D046152, MONDO:0011719, OMIM 606764, HP:0100723.

Submissions (2):

Labcorp Genetics (formerly Invitae), Labcorp
Classification: Uncertain significance for Gastrointestinal stromal tumor. Last evaluated: 2023-10-17. Review status: criteria provided, single submitter. Criteria: Invitae Variant Classification Sherloc (09022015). Collection method: clinical testing. Allele origin: germline.
Comment: This sequence change replaces proline, which is neutral and non-polar, with arginine, which is basic and polar, at codon 754 of the KIT protein (p.Pro754Arg). This variant is not present in population databases (gnomAD no frequency). This variant has not been reported in the literature in individuals affected with KIT-related conditions. ClinVar contains an entry for this variant (Variation ID: 2159279). An algorithm developed to predict the effect of missense changes on protein structure and function (PolyPhen-2) suggests that this variant is likely to be tolerated. In summary, the available evidence is currently insufficient to determine the role of this variant in disease. Therefore, it has been classified as a Variant of Uncertain Significance.

Baylor Genetics
Classification: Uncertain significance for Gastrointestinal stromal tumor. Last evaluated: 2023-09-03. Review status: criteria provided, single submitter. Criteria: ACMG Guidelines, 2015. Collection method: clinical testing. Allele origin: unknown.

NM_000222.3(KIT):c.2261C>G (p.Pro754Arg)

Gene: KIT (KIT proto-oncogene, receptor tyrosine kinase; plus strand). Cytogenetic location: 4q12.
Variant type: single nucleotide variant.
Coding change: c.2261C>G on transcript NM_000222.3 (MANE Select); coding-DNA position 2261, C replaced by G.
Protein change: p.Pro754Arg; replaces proline 754 with arginine.
Molecular consequence: missense variant.
Genome position (GRCh38, 1-based): chr4:54,731,898, C>G. VCF-style: chr4-54731898-C-G. GRCh37 (hg19) VCF-style: chr4-55598064-C-G.
Other names: c.2249C>G, p.Pro750Arg (NM_001093772.2, NM_001385292.1); c.2264C>G, p.Pro755Arg (NM_001385284.1); c.2258C>G, p.Pro753Arg (NM_001385285.1); c.2246C>G, p.Pro749Arg (NM_001385286.1); c.2252C>G, p.Pro751Arg (NM_001385288.1); c.2261C>G, p.Pro754Arg (NM_001385290.1); short protein forms P749R, P751R, P750R, P753R, P754R, P755R.
Identifiers: ClinVar variation 2159279 (VCV002159279.5), dbSNP rs2109795118, ClinGen allele CA356910873.